The following is an entry in ClinVar:

ClinVar aggregate classification (germline): Uncertain significance (1 of 4 stars; one submission).

Conditions:
Baller-Gerold syndrome (BGS). Also called: CRANIOSYNOSTOSIS WITH RADIAL DEFECTS. Identifiers: Orphanet 1225, MedGen C0265308, MONDO:0009039, OMIM 218600.

Allele frequency attached by ClinVar (database versions not stated): TOPMed below 0.00001; gnomAD 0.00001.
gnomAD v4.1: 1 of 1,611,654 alleles (0.000062%); highest among the groups gnomAD compares: Non-Finnish European, 0.000085%; no homozygotes.

Submission:

Labcorp Genetics (formerly Invitae), Labcorp
Classification: Uncertain significance for Baller-Gerold syndrome. Last evaluated: 2020-11-02. Review status: criteria provided, single submitter. Criteria: Invitae Variant Classification Sherloc (09022015). Collection method: clinical testing. Allele origin: germline.
Comment: This sequence change replaces threonine with alanine at codon 922 of the RECQL4 protein (p.Thr922Ala). The threonine residue is highly conserved and there is a small physicochemical difference between threonine and alanine. This variant is not present in population databases (ExAC no frequency). This variant has not been reported in the literature in individuals with RECQL4-related conditions. Experimental studies and prediction algorithms are not available or were not evaluated, and the functional significance of this variant is currently unknown. In summary, the available evidence is currently insufficient to determine the role of this variant in disease. Therefore, it has been classified as a Variant of Uncertain Significance.

NM_004260.4(RECQL4):c.2764A>G (p.Thr922Ala)

Gene: RECQL4 (RecQ like helicase 4; minus strand). Cytogenetic location: 8q24.3.
Variant type: single nucleotide variant.
Coding change: c.2764A>G on transcript NM_004260.4 (MANE Select); coding-DNA position 2764, A replaced by G.
Protein change: p.Thr922Ala; replaces threonine 922 with alanine.
Molecular consequence: missense variant.
Genome position (GRCh38, 1-based): chr8:144,512,763, T>C on the plus strand (A>G on the coding strand, the complement: RECQL4 is on the minus strand). VCF-style: chr8-144512763-T-C. GRCh37 (hg19) VCF-style: chr8-145738146-T-C.
Other names: short protein forms T922A.
Identifiers: ClinVar variation 1441081 (VCV001441081.6), dbSNP rs1827489849, ClinGen allele CA372674550.
Genomic context (GRCh38, chr8:144,512,763, plus strand): 5'-AGGTGGTCGCCAGCAGCTCCAGCCAGTGGTGTGGGTGCAGCTCCAGGTAGCACAGCAAAG[T>C]CTCGATGGCTGGGGGCAGAGCAGGGCTCAGCGGACGCGGGGACAGCCCCTCCACACCCCT-3'
Protein context (NP_004251.4, residues 912-932): ALDMPEEAIE[Thr922Ala]LLCYLELHPH